The following is an entry in ClinVar:

ClinVar aggregate classification (germline): Likely pathogenic (1 of 4 stars; one submission).

Conditions:
Primary ciliary dyskinesia. Also called: Ciliary dyskinesia. Identifiers: Orphanet 244, MedGen C0008780, MONDO:0016575, HP:0012265.

Submission:

Natera, Inc.
Classification: Likely pathogenic for Primary ciliary dyskinesia. Last evaluated: 2026-01-15. Review status: criteria provided, single submitter. Criteria: Natera Variant Classification Schema (03/2026). Collection method: clinical testing. Allele origin: germline.
Comment: The c.397_401dup variant in DNAI1 is a frameshift variant predicted to shift the reading frame beginning at codon 135 and leads to a stop codon 5 codons downstream. This variant is expected to result in nonsense mediated decay, truncation, or a dysfunctional protein product. This variant is rare in the general population with a frequency below the threshold expected for the associated phenotype(s). Given the available evidence, this variant is classified as Likely Pathogenic.

NM_012144.4(DNAI1):c.397_401dup (p.Val135fs)

Gene: DNAI1 (dynein axonemal intermediate chain 1; plus strand). Cytogenetic location: 9p13.3.
Variant type: Duplication.
Coding change: c.397_401dup on transcript NM_012144.4 (MANE Select); coding-DNA positions 397 to 401, 5 bases duplicated (GAGTC; older notation c.397_401dupGAGTC).
Protein change: p.Val135fs; shifts the reading frame from valine 135.
Molecular consequence: frameshift variant.
Genome position (GRCh38, 1-based): chr9:34,490,020-34,490,024, GAGTC duplicated. VCF-style (leftmost placement, unchanged base first): chr9-34490019-G-GGAGTC. GRCh37 (hg19) VCF-style: chr9-34490017-G-GGAGTC.
Other names: c.409_413dup, p.Val139fs (NM_001281428.2); short protein forms V135fs, V139fs.
Identifiers: ClinVar variation 4815547 (VCV004815547.1).